The following is an entry in ClinVar:

ClinVar aggregate classification (germline): Uncertain significance. Review status: criteria provided, multiple submitters, no conflicts (2 of 4 stars). 2 submissions from 2 submitters: Uncertain significance (2). Last evaluated 2025-06-02.

Conditions:
Argininosuccinate lyase deficiency. Also called: ARGININOSUCCINIC ACID LYASE DEFICIENCY; ASL DEFICIENCY; Argininosuccinic aciduria. Identifiers: Orphanet 23, MedGen C0268547, MONDO:0008815, OMIM 207900, HP:0025630.

Allele frequency attached by ClinVar (database versions not stated): gnomAD exomes 0.00002; TOPMed 0.00002; gnomAD 0.00003; 1000 Genomes Project 30x 0.00031.
gnomAD v4.1: 25 of 1,598,654 alleles (0.0016%); highest among the groups gnomAD compares: Non-Finnish European, 0.002%; no homozygotes.

Submissions (2):

Women's Health and Genetics/Laboratory Corporation of America, LabCorp
Classification: Uncertain significance. Last evaluated: 2025-06-02. Review status: criteria provided, single submitter. Criteria: LabCorp Variant Classification Summary - May 2015. Collection method: clinical testing. Allele origin: germline.

Labcorp Genetics (formerly Invitae), Labcorp
Classification: Uncertain significance for Argininosuccinate lyase deficiency. Last evaluated: 2024-09-23. Review status: criteria provided, single submitter. Criteria: Invitae Variant Classification Sherloc (09022015). Collection method: clinical testing. Allele origin: germline.
Comment: This sequence change falls in intron 13 of the ASL gene. It does not directly change the encoded amino acid sequence of the ASL protein. It affects a nucleotide within the consensus splice site. This variant is not present in population databases (gnomAD no frequency). This variant has not been reported in the literature in individuals affected with ASL-related conditions. ClinVar contains an entry for this variant (Variation ID: 2163119). Variants that disrupt the consensus splice site are a relatively common cause of aberrant splicing (PMID: 17576681, 9536098). Algorithms developed to predict the effect of sequence changes on RNA splicing suggest that this variant is not likely to affect RNA splicing. In summary, the available evidence is currently insufficient to determine the role of this variant in disease. Therefore, it has been classified as a Variant of Uncertain Significance.

Literature cited by the submitters: PubMed 17576681 (cited by Labcorp Genetics (formerly Invitae), Labcorp); PubMed 9536098 (cited by Labcorp Genetics (formerly Invitae), Labcorp).

NM_000048.4(ASL):c.978+5G>A

Gene: ASL (argininosuccinate lyase; plus strand). Cytogenetic location: 7q11.21.
Variant type: single nucleotide variant.
Coding change: c.978+5G>A on transcript NM_000048.4 (MANE Select); 5 bases into the intron after coding-DNA position 978, G replaced by A.
Molecular consequence: intron variant.
Genome position (GRCh38, 1-based): chr7:66,089,340, G>A. VCF-style: chr7-66089340-G-A. GRCh37 (hg19) VCF-style: chr7-65554327-G-A.
Other names: c.978+5G>A (NM_001024943.2); c.918+165G>A (NM_001024944.2); c.900+5G>A (NM_001024946.2).
Identifiers: ClinVar variation 2163119 (VCV002163119.4), dbSNP rs904413062, ClinGen allele CA159934540.